The following is an entry in ClinVar:

ClinVar aggregate classification (germline): Uncertain significance (1 of 4 stars; one submission).

Conditions:
Developmental and epileptic encephalopathy, 18 (DEE18). Also called: Early infantile epileptic encephalopathy 18. Identifiers: Orphanet 369894, MedGen C3809624, MONDO:0014201, OMIM 615476.

Submission:

Centre for Mendelian Genomics, University Medical Centre Ljubljana
Classification: Uncertain significance for Developmental and epileptic encephalopathy, 18. Last evaluated: 2019-09-08. Review status: criteria provided, single submitter. Criteria: ACMG Guidelines, 2015. Collection method: clinical testing. Allele origin: unknown. Affected: yes.
Comment: This variant was classified as: Uncertain significance. The available evidence on this variant's pathogenicity is insufficient or conflicting. The following ACMG criteria were applied in classifying this variant: PM2,PP3.

NM_001365999.1(SZT2):c.772+5G>A

Gene: SZT2 (SZT2 subunit of KICSTOR complex; plus strand). Cytogenetic location: 1p34.2.
Variant type: single nucleotide variant.
Coding change: c.772+5G>A on transcript NM_001365999.1 (MANE Select); 5 bases into the intron after coding-DNA position 772, G replaced by A.
Molecular consequence: intron variant.
Genome position (GRCh38, 1-based): chr1:43,416,106, G>A. VCF-style: chr1-43416106-G-A. GRCh37 (hg19) VCF-style: chr1-43881777-G-A.
Other names: c.772+5G>A (NM_015284.4).
Identifiers: ClinVar variation 930792 (VCV000930792.3), dbSNP rs1651690924, ClinGen allele CA1139656087.